The following is an entry in ClinVar:

ClinVar aggregate classification (germline): Uncertain significance. Review status: criteria provided, multiple submitters, no conflicts (2 of 4 stars). 2 submissions from 2 submitters: Uncertain significance (2). Last evaluated 2025-03-28.

gnomAD v4.1: 34 of 1,613,672 alleles (0.0021%); highest among the groups gnomAD compares: Admixed American, 0.0067%; no homozygotes.

Submissions (2):

Ambry Genetics
Classification: Uncertain significance. Last evaluated: 2025-03-28. Review status: criteria provided, single submitter. Criteria: Ambry Variant Classification Scheme 2023. Collection method: clinical testing. Allele origin: germline.

Labcorp Genetics (formerly Invitae), Labcorp
Classification: Uncertain significance. Last evaluated: 2024-07-03. Review status: criteria provided, single submitter. Criteria: Invitae Variant Classification Sherloc (09022015). Collection method: clinical testing. Allele origin: germline.
Comment: This sequence change replaces threonine, which is neutral and polar, with isoleucine, which is neutral and non-polar, at codon 646 of the ZNF687 protein (p.Thr646Ile). This variant is present in population databases (no rsID available, gnomAD 0.006%). This variant has not been reported in the literature in individuals affected with ZNF687-related conditions. An algorithm developed to predict the effect of missense changes on protein structure and function (PolyPhen-2) suggests that this variant is likely to be tolerated. In summary, the available evidence is currently insufficient to determine the role of this variant in disease. Therefore, it has been classified as a Variant of Uncertain Significance.

NM_020832.3(ZNF687):c.1937C>T (p.Thr646Ile)

Gene: ZNF687 (zinc finger protein 687; plus strand). Cytogenetic location: 1q21.3.
Variant type: single nucleotide variant.
Coding change: c.1937C>T on transcript NM_020832.3 (MANE Select); coding-DNA position 1937, C replaced by T.
Protein change: p.Thr646Ile; replaces threonine 646 with isoleucine.
Molecular consequence: missense variant.
Genome position (GRCh38, 1-based): chr1:151,288,228, C>T. VCF-style: chr1-151288228-C-T. GRCh37 (hg19) VCF-style: chr1-151260704-C-T.
Other names: c.1937C>T (NM_020832.1); c.1937C>T, p.Thr646Ile (NM_001304763.2, NM_001304764.2); short protein forms T646I.
Identifiers: ClinVar variation 3704561 (VCV003704561.3).